The following is an entry in ClinVar:

NM_003737.4(DCHS1):c.3937C>T (p.Pro1313Ser)

Gene: DCHS1 (dachsous cadherin-related 1; minus strand). Cytogenetic location: 11p15.4.
Variant type: single nucleotide variant.
Coding change: c.3937C>T on transcript NM_003737.4 (MANE Select); coding-DNA position 3937, C replaced by T.
Protein change: p.Pro1313Ser; replaces proline 1313 with serine.
Molecular consequence: missense variant.
Genome position (GRCh38, 1-based): chr11:6,630,857, G>A on the plus strand (C>T on the coding strand, the complement: DCHS1 is on the minus strand). VCF-style: chr11-6630857-G-A. GRCh37 (hg19) VCF-style: chr11-6652088-G-A.
Other names: short protein forms P1313S.
Identifiers: ClinVar variation 4742946 (VCV004742946.1).
Genomic context (GRCh38, chr11:6,630,857, plus strand): 5'-CTGGTGCCGCTGGGTCCCGCTCTGCGAGATCTGGGGGCGGCTCGGCCAAGCGAGCTGAGG[G>A]AAGCACCTGTTGTGGACCGGGGAGGGAGAACAGAATTGTGAGGGCCCGTGTAAAAGGGGA-3'
Protein context (NP_003728.1, residues 1303-1323): ASLQLLVQVL[Pro1313Ser]SARLAEPPPD

ClinVar aggregate classification (germline): Uncertain significance (1 of 4 stars; one submission).

Submission:

Labcorp Genetics (formerly Invitae), Labcorp
Classification: Uncertain significance. Last evaluated: 2025-12-26. Review status: criteria provided, single submitter. Criteria: Invitae Variant Classification Sherloc (09022015). Collection method: clinical testing. Allele origin: germline.
Comment: This sequence change replaces proline, which is neutral and non-polar, with serine, which is neutral and polar, at codon 1313 of the DCHS1 protein (p.Pro1313Ser). This variant is not present in population databases (gnomAD no frequency). This variant has not been reported in the literature in individuals affected with DCHS1-related conditions. Invitae Evidence Modeling of protein sequence and biophysical properties (such as structural, functional, and spatial information, amino acid conservation, physicochemical variation, residue mobility, and thermodynamic stability) indicates that this missense variant is expected to disrupt DCHS1 protein function with a positive predictive value of 80%. In summary, the available evidence is currently insufficient to determine the role of this variant in disease. Therefore, it has been classified as a Variant of Uncertain Significance.